The following is an entry in ClinVar:

ClinVar aggregate classification (germline): Conflicting classifications of pathogenicity. Review status: criteria provided, conflicting classifications (1 of 4 stars). 3 submissions from 3 submitters: Uncertain significance (2); Likely benign (1). Last evaluated 2026-06-12.

Conditions:
Ehlers-Danlos syndrome, classic type, 1 (EDSCL1). Also called: Ehlers-Danlos Syndrome, Classic Type, COL5A1-Related; EHLERS-DANLOS SYNDROME, GRAVIS TYPE; EHLERS-DANLOS SYNDROME, SEVERE CLASSIC TYPE; Ehlers-Danlos syndrome, type 1; EDS I. Identifiers: MedGen C0268335, MONDO:0019567, OMIM 130000.
Familial thoracic aortic aneurysm and aortic dissection (TAAD). Also called: Thoracic aortic aneurysms and dissections. Identifiers: Orphanet 91387, MedGen C4707243, MONDO:0019625.

Allele frequency attached by ClinVar (database versions not stated): gnomAD 0.00001; TOPMed 0.00001; gnomAD exomes below 0.00001.
gnomAD v4.1: 6 of 1,552,110 alleles (0.00039%); highest among the groups gnomAD compares: South Asian, 0.0012%; no homozygotes.

Submissions (3):

Ambry Genetics
Classification: Uncertain significance for Familial thoracic aortic aneurysm and aortic dissection. Last evaluated: 2026-06-12. Review status: criteria provided, single submitter. Criteria: Ambry Variant Classification Scheme 2023. Collection method: clinical testing. Allele origin: germline.
Comment: The p.R1001H variant (also known as c.3002G>A), located in coding exon 43 of the COL5A2 gene, results from a G to A substitution at nucleotide position 3002. The arginine at codon 1001 is replaced by histidine, an amino acid with highly similar properties. This amino acid position is conserved. In addition, this alteration is predicted to be deleterious by in silico analysis. Based on the available evidence, the clinical significance of this variant remains unclear.

Labcorp Genetics (formerly Invitae), Labcorp
Classification: Likely benign for Ehlers-Danlos syndrome, classic type, 1. Last evaluated: 2025-11-25. Review status: criteria provided, single submitter. Criteria: Invitae Variant Classification Sherloc (09022015). Collection method: clinical testing. Allele origin: germline.

GeneDx
Classification: Uncertain significance. Last evaluated: 2024-04-11. Review status: criteria provided, single submitter. Criteria: GeneDx Variant Classification Process June 2021. Collection method: clinical testing. Allele origin: germline. Affected: yes.
Comment: Not observed at significant frequency in large population cohorts (gnomAD); In silico analysis supports that this missense variant has a deleterious effect on protein structure/function; Has not been previously published as pathogenic or benign to our knowledge

NM_000393.5(COL5A2):c.3002G>A (p.Arg1001His)

Gene: COL5A2 (collagen type V alpha 2 chain; minus strand). Cytogenetic location: 2q32.2.
Variant type: single nucleotide variant.
Coding change: c.3002G>A on transcript NM_000393.5 (MANE Select); coding-DNA position 3002, G replaced by A.
Protein change: p.Arg1001His; replaces arginine 1001 with histidine.
Molecular consequence: missense variant.
Genome position (GRCh38, 1-based): chr2:189,050,606, C>T on the plus strand (G>A on the coding strand, the complement: COL5A2 is on the minus strand). VCF-style: chr2-189050606-C-T. GRCh37 (hg19) VCF-style: chr2-189915332-C-T.
Other names: c.3002G>A (NM_000393.3); short protein forms R1001H.
Identifiers: ClinVar variation 2200262 (VCV002200262.6), dbSNP rs1216356488, ClinGen allele CA349866971.
Genomic context (GRCh38, chr2:189,050,606, plus strand): 5'-TATTGACCGATGCAGCTACTCACCGCTGGGCCTGGTAGGCCGGGCATGCCTCTCTCTCCA[C>T]GTTGCCCAGGCATGCCAACAATTCCTCTCTGCCCGGTCGTTCCAGCTGGACCAGGGGGGC-3'
Protein context (NP_000384.2, residues 991-1011): QRGIVGMPGQ[Arg1001His]GERGMPGLPG